The following is an entry in ClinVar:

ClinVar aggregate classification (germline): Pathogenic/Likely pathogenic. Review status: criteria provided, multiple submitters, no conflicts (2 of 4 stars). 2 submissions from 2 submitters: Pathogenic (1); Likely pathogenic (1). Last evaluated 2025-07-30.

Conditions:
Myofibrillar myopathy 6. Identifiers: Orphanet 199340, MedGen C2751831, MONDO:0013061, OMIM 612954.
Dilated cardiomyopathy 1HH (CMD1HH). Identifiers: Orphanet 154, MedGen C3151293, MONDO:0013479, OMIM 613881.
Primary dilated cardiomyopathy (DCM). Also called: Dilated Cardiomyopathy. Identifiers: Orphanet 217604, MedGen C0007193, MeSH D002311, MONDO:0005021, HP:0001644. Inheritance: Various modes of inheritance.

Submissions (2):

Labcorp Genetics (formerly Invitae), Labcorp
Classification: Pathogenic for Dilated cardiomyopathy 1HH; Myofibrillar myopathy 6. Last evaluated: 2025-07-30. Review status: criteria provided, single submitter. Criteria: Invitae Variant Classification Sherloc (09022015). Collection method: clinical testing. Allele origin: germline.
Comment: This sequence change creates a premature translational stop signal (p.Pro356Hisfs*7) in the BAG3 gene. While this is not anticipated to result in nonsense mediated decay, it is expected to disrupt the last 220 amino acid(s) of the BAG3 protein. This variant is not present in population databases (gnomAD no frequency). This variant has not been reported in the literature in individuals affected with BAG3-related conditions. ClinVar contains an entry for this variant (Variation ID: 179764). This variant disrupts a region of the BAG3 protein in which other variant(s) (p.Lys449*) have been determined to be pathogenic (internal data). This suggests that this is a clinically significant region of the protein, and that variants that disrupt it are likely to be disease-causing. For these reasons, this variant has been classified as Pathogenic.

Laboratory for Molecular Medicine, Mass General Brigham Personalized Medicine
Classification: Likely pathogenic for Primary dilated cardiomyopathy. Last evaluated: 2016-04-15. Review status: criteria provided, single submitter. Criteria: LMM Criteria. Collection method: clinical testing. Allele origin: germline. Observed: 5 variant alleles.
Comment: It was absent from large population studies. This varia nt is predicted to cause a frameshift, which alters the protein?s amino acid seq uence beginning at position 356 and leads to a premature termination codon 7 ami no acids downstream. This alteration is then predicted to lead to a truncated or absent protein. Loss of functions variants in BAG3 have been reported to be dis ease-causing (Norton 2011, Villard, 2011). In summary, although additional studi es are required to fully establish its clinical significance, the p.Pro356fs var iant is likely pathogenic.

Literature cited by the submitters: PubMed 21459883 (cited by Laboratory for Molecular Medicine, Mass General Brigham Personalized Medicine); PubMed 21353195 (cited by Laboratory for Molecular Medicine, Mass General Brigham Personalized Medicine).

NM_004281.4(BAG3):c.1067del (p.Pro356fs)

Gene: BAG3 (BAG cochaperone 3; plus strand). Cytogenetic location: 10q26.11.
Variant type: Deletion.
Coding change: c.1067del on transcript NM_004281.4 (MANE Select); coding-DNA position 1067, one base deleted (C; older notation c.1067delC).
Protein change: p.Pro356fs; shifts the reading frame from proline 356.
Molecular consequence: frameshift variant.
Genome position (GRCh38, 1-based): chr10:119,676,621, C deleted; the last of 5 consecutive C bases (chr10:119,676,617-119,676,621); deleting any one gives the same sequence. VCF-style (leftmost placement, unchanged base first): chr10-119676616-GC-G. GRCh37 (hg19) VCF-style: chr10-121436128-GC-G.
Other names: c.1067delC (NM_004281.3); short protein forms P356fs.
Identifiers: ClinVar variation 179764 (VCV000179764.14), dbSNP rs727505109, ClinGen allele CA273654.